The following is an entry in ClinVar:

ClinVar aggregate classification (germline): Pathogenic (1 of 4 stars; one submission).

Conditions:
Wilson disease (WND). Also called: Wilson's disease. Identifiers: Orphanet 905, MedGen C0019202, MONDO:0010200, OMIM 277900. Disease mechanism: loss of function.

Submission:

All of Us Research Program, National Institutes of Health
Classification: Pathogenic for Wilson disease. Last evaluated: 2024-10-02. Review status: criteria provided, single submitter. Criteria: ACMG Guidelines, 2015. Collection method: clinical testing. Allele origin: germline. Inheritance: Autosomal recessive inheritance. Observed: 1 variant allele, 1 heterozygote.
Comment: This variant inserts 4 nucleotides in exon 17 of the ATP7B gene, creating a frameshift and premature translation stop signal. This variant is expected to result in an absent or non-functional protein product. To our knowledge, this variant has not been reported in individuals affected with Wilson disease in the literature. This variant has not been identified in the general population by the Genome Aggregation Database (gnomAD). Loss of ATP7B function is a known mechanism of disease. Based on the available evidence, this variant is classified as Pathogenic.

This study involves interpretation of variants in research participants for the purpose of population health screening. Participant phenotype was not available at the time of variant classification. Additional details can be found in publication PMID: 35346344, PMCID: PMC8962531

NM_000053.4(ATP7B):c.3693_3694insTGGT (p.Thr1232fs)

Gene: ATP7B (ATPase copper transporting beta; minus strand). Cytogenetic location: 13q14.3.
Variant type: Insertion.
Coding change: c.3693_3694insTGGT on transcript NM_000053.4 (MANE Select); coding-DNA positions 3693 to 3694, TGGT inserted.
Protein change: p.Thr1232fs; shifts the reading frame from threonine 1232.
Molecular consequence: frameshift variant.
Genome position: GRCh38 VCF-style: chr13-51939056-T-TACCA. GRCh37 (hg19) VCF-style: chr13-52513192-T-TACCA.
Other names: c.3072_3073insTGGT, p.Thr1025fs (NM_001005918.3); c.3360_3361insTGGT, p.Thr1121fs (NM_001243182.2); c.3459_3460insTGGT, p.Thr1154fs (NM_001330578.2, NM_001406527.1, NM_001406528.1); c.3441_3442insTGGT, p.Thr1148fs (NM_001330579.2, NM_001406531.1, NM_001406532.1); c.3693_3694insTGGT, p.Thr1232fs (NM_001406511.1, NM_001406512.1, NM_001406526.1); c.3687_3688insTGGT, p.Thr1230fs (NM_001406513.1); c.3660_3661insTGGT, p.Thr1221fs (NM_001406514.1); c.3639_3640insTGGT, p.Thr1214fs (NM_001406515.1, NM_001406516.1); and 20 more; short protein forms T1005fs, T1016fs, T1025fs, T1038fs, T1068fs, T1070fs, T1083fs, T1089fs.
Identifiers: ClinVar variation 3387398 (VCV003387398.1).
Genomic context (GRCh38, chr13:51,939,056, plus strand): 5'-TGTCTCTAACTGCTTTTATGAGCTTTACACAGTTTGCAACATTAAAGGGCTGTACCTGGG[T>TACCA]GGCAATAGCTCTGGCTGTCTTCCGGTTGTCCCCCGTGATCAGAACCACGTCCACACCCAT-3'